The following is an entry in ClinVar:

NM_003001.5(SDHC):c.471T>C (p.Val157=)

Gene: SDHC (succinate dehydrogenase complex subunit C; plus strand). Cytogenetic location: 1q23.3.
Variant type: single nucleotide variant.
Coding change: c.471T>C on transcript NM_003001.5 (MANE Select); coding-DNA position 471, T replaced by C.
Protein change: p.Val157=; no amino-acid change (valine 157 retained).
Molecular consequence: synonymous variant. On other transcripts: missense variant (3), non-coding transcript variant (1).
Genome position (GRCh38, 1-based): chr1:161,362,394, T>C. VCF-style: chr1-161362394-T-C. GRCh37 (hg19) VCF-style: chr1-161332184-T-C.
Other names: c.307T>C, p.Ser103Pro (NM_001035511.3); c.369T>C, p.Val123= (NM_001035512.3); c.312T>C, p.Val104= (NM_001035513.3); c.205T>C, p.Ser69Pro (NM_001278172.3); c.591T>C, p.Val197= (NM_001407115.1); c.414T>C, p.Val138= (NM_001407116.1); c.408T>C, p.Val136= (NM_001407117.1); c.363T>C, p.Val121= (NM_001407118.1); and 2 more; short protein forms S103P, S69P, S84P.
Identifiers: ClinVar variation 3904392 (VCV003904392.1).

ClinVar aggregate classification (germline): Benign (1 of 4 stars; one submission).

Conditions:
Pheochromocytoma/paraganglioma syndrome 3. Also called: GLOMUS TUMORS, FAMILIAL, 3; Paragangliomas 3; SDHC-Related Hereditary Paraganglioma-Pheochromocytoma Syndrome (Paragangliomas 3); SDHC-Related Hereditary Paraganglioma-Pheochromocytoma Syndrome. Identifiers: Orphanet 29072, MedGen C1854336, MONDO:0011544, OMIM 605373.

Submission:

Myriad Genetics, Inc.
Classification: Benign for Pheochromocytoma/paraganglioma syndrome 3. Last evaluated: 2025-03-17. Review status: criteria provided, single submitter. Criteria: Myriad Autosomal Dominant, Autosomal Recessive and X-Linked Classification Criteria (2023). Collection method: clinical testing. Allele origin: unknown.
Comment: This variant is considered benign. This variant is a silent/synonymous amino acid change and it is not expected to impact splicing.